The following is an entry in ClinVar:

NM_000860.6(HPGD):c.686T>C (p.Leu229Ser)

Gene: HPGD (15-hydroxyprostaglandin dehydrogenase; minus strand). Cytogenetic location: 4q34.1.
Variant type: single nucleotide variant.
Coding change: c.686T>C on transcript NM_000860.6 (MANE Select); coding-DNA position 686, T replaced by C.
Protein change: p.Leu229Ser; replaces leucine 229 with serine.
Molecular consequence: missense variant. On other transcripts: synonymous variant (1), 3 prime UTR variant (1).
Genome position (GRCh38, 1-based): chr4:174,492,071, A>G on the plus strand (T>C on the coding strand, the complement: HPGD is on the minus strand). VCF-style: chr4-174492071-A-G. GRCh37 (hg19) VCF-style: chr4-175413222-A-G.
Other names: c.522T>C, p.Ile174= (NM_001145816.3); c.323T>C, p.Leu108Ser (NM_001256301.1, NM_001256307.2); c.*13T>C (NM_001256305.2); c.482T>C, p.Leu161Ser (NM_001256306.2); short protein forms L229S, L161S, L108S.
Identifiers: ClinVar variation 1896303 (VCV001896303.5), dbSNP rs2477824539, ClinGen allele CA358811825.

ClinVar aggregate classification (germline): Uncertain significance (1 of 4 stars; one submission).

Submission:

Labcorp Genetics (formerly Invitae), Labcorp
Classification: Uncertain significance. Last evaluated: 2022-03-16. Review status: criteria provided, single submitter. Criteria: Invitae Variant Classification Sherloc (09022015). Collection method: clinical testing. Allele origin: germline.
Comment: This variant has not been reported in the literature in individuals affected with HPGD-related conditions. Algorithms developed to predict the effect of missense changes on protein structure and function are either unavailable or do not agree on the potential impact of this missense change (SIFT: "Deleterious"; PolyPhen-2: "Possibly Damaging"; Align-GVGD: "Class C0"). This sequence change replaces leucine, which is neutral and non-polar, with serine, which is neutral and polar, at codon 229 of the HPGD protein (p.Leu229Ser). This variant is not present in population databases (gnomAD no frequency). In summary, the available evidence is currently insufficient to determine the role of this variant in disease. Therefore, it has been classified as a Variant of Uncertain Significance.